The following is an entry in ClinVar:

NM_001365276.2(TNXB):c.1571G>A (p.Gly524Glu)

Gene: TNXB (tenascin XB; minus strand). Cytogenetic location: 6p21.33.
Variant type: single nucleotide variant.
Coding change: c.1571G>A on transcript NM_001365276.2 (MANE Select); coding-DNA position 1571, G replaced by A.
Protein change: p.Gly524Glu; replaces glycine 524 with glutamic acid.
Molecular consequence: missense variant.
Genome position (GRCh38, 1-based): chr6:32,096,282, C>T on the plus strand (G>A on the coding strand, the complement: TNXB is on the minus strand). VCF-style: chr6-32096282-C-T. GRCh37 (hg19) VCF-style: chr6-32064059-C-T.
Other names: c.1571G>A, p.Gly524Glu (NM_001428335.1, NM_019105.8); short protein forms G524E.
Identifiers: ClinVar variation 3901747 (VCV003901747.1).

ClinVar aggregate classification (germline): Uncertain significance (1 of 4 stars; one submission).

gnomAD v4.1: 2 of 1,557,726 alleles (0.00013%); highest among the groups gnomAD compares: Non-Finnish European, 0.00017%; no homozygotes.

Submission:

GeneDx
Classification: Uncertain significance. Last evaluated: 2024-12-04. Review status: criteria provided, single submitter. Criteria: GeneDx Variant Classification Process June 2021. Collection method: clinical testing. Allele origin: germline. Affected: yes.
Comment: Not observed at significant frequency in large population cohorts (gnomAD); In silico analysis supports that this missense variant has a deleterious effect on protein structure/function; Has not been previously published as pathogenic or benign to our knowledge